The following is an entry in ClinVar:

NM_002292.4(LAMB2):c.3011C>T (p.Thr1004Met)

Gene: LAMB2 (laminin subunit beta 2; minus strand). Cytogenetic location: 3p21.31.
Variant type: single nucleotide variant.
Coding change: c.3011C>T on transcript NM_002292.4 (MANE Select); coding-DNA position 3011, C replaced by T.
Protein change: p.Thr1004Met; replaces threonine 1004 with methionine.
Molecular consequence: missense variant.
Genome position (GRCh38, 1-based): chr3:49,124,799, G>A on the plus strand (C>T on the coding strand, the complement: LAMB2 is on the minus strand). VCF-style: chr3-49124799-G-A. GRCh37 (hg19) VCF-style: chr3-49162232-G-A.
Other names: short protein forms T1004M.
Identifiers: ClinVar variation 4525806 (VCV004525806.1).

ClinVar aggregate classification (germline): Uncertain significance (1 of 4 stars; one submission).

gnomAD v4.1: 9 of 1,614,088 alleles (0.00056%); highest among the groups gnomAD compares: South Asian, 0.0022%; no homozygotes.

Submission:

Women's Health and Genetics/Laboratory Corporation of America, LabCorp
Classification: Uncertain significance. Last evaluated: 2025-07-17. Review status: criteria provided, single submitter. Criteria: LabCorp Variant Classification Summary - May 2015. Collection method: clinical testing. Allele origin: germline.
Comment: Variant summary: LAMB2 c.3011C>T (p.Thr1004Met) results in a non-conservative amino acid change in the encoded protein sequence. Algorithms developed to predict the effect of missense changes on protein structure and function all suggest that this variant is likely to be disruptive. The variant allele was found at a frequency of 4e-06 in 251412 control chromosomes. The available data on variant occurrences in the general population are insufficient to allow any conclusion about variant significance. To our knowledge, no occurrence of c.3011C>T in individuals affected with Pierson Syndrome and no experimental evidence demonstrating its impact on protein function have been reported. No submitters have cited clinical-significance assessments for this variant to ClinVar. Based on the evidence outlined above, the variant was classified as uncertain significance.